The following is an entry in ClinVar:

ClinVar aggregate classification (germline): Uncertain significance (1 of 4 stars; one submission).

Conditions:
Hereditary hemochromatosis (HFE). Identifiers: MedGen C0392514, MONDO:0006507. Disease mechanism: loss of function.

Submission:

Labcorp Genetics (formerly Invitae), Labcorp
Classification: Uncertain significance for Hereditary hemochromatosis. Last evaluated: 2018-01-21. Review status: criteria provided, single submitter. Criteria: Invitae Variant Classification Sherloc (09022015). Collection method: clinical testing. Allele origin: germline.
Comment: Experimental studies and prediction algorithms are not available for this variant, and the functional significance of the duplicated amino acids is currently unknown. In summary, the available evidence is currently insufficient to determine the role of this variant in disease. Therefore, it has been classified as a Variant of Uncertain Significance. This variant has not been reported in the literature in individuals with TFR2-related disease. This variant is a gross duplication of the genomic region encompassing exons 10-18 of the TFR2 gene. The 5' boundary is likely confined to intron 9. The 3' end of this event is unknown as it extends beyond the assayed region for this gene and therefore may encompass additional genes. The exact location of this variant in the genome is unknown.

NC_000007.13:g.(?_100218474)_(100227001_?)dup

Genes: TFR2 (transferrin receptor 2; minus strand), LOC113687175 (Sharpr-MPRA regulatory region 4647; plus strand). Cytogenetic location: 7q22.1.
Variant type: Duplication.
Identifiers: ClinVar variation 584337 (VCV000584337.8).